The following is an entry in ClinVar:

NM_001008215.3(COA5):c.100-3T>C

Gene: COA5 (cytochrome c oxidase assembly factor 5; minus strand). Cytogenetic location: 2q11.2.
Variant type: single nucleotide variant.
Coding change: c.100-3T>C on transcript NM_001008215.3 (MANE Select); 3 bases into the intron before coding-DNA position 100, T replaced by C.
Molecular consequence: intron variant.
Genome position (GRCh38, 1-based): chr2:98,604,194, A>G on the plus strand (T>C on the coding strand, the complement: COA5 is on the minus strand). VCF-style: chr2-98604194-A-G. GRCh37 (hg19) VCF-style: chr2-99220657-A-G.
Identifiers: ClinVar variation 2022455 (VCV002022455.4), dbSNP rs373322813, ClinGen allele CA1795123.
Genomic context (GRCh38, chr2:98,604,194, plus strand): 5'-CGTACTTCAAAGAGTTGCAGTATCCTTCCTTCAAACACTGCCGAGGTGATTTTCCTTCCT[A>G]TGACAGACACATAAAACAATATAAACACCTTGGAAATTTTCTCACAAAGTACAAAATAAT-3'

ClinVar aggregate classification (germline): Uncertain significance (1 of 4 stars; one submission).

Allele frequency attached by ClinVar (database versions not stated): ExAC 0.00001; gnomAD 0.00001; TOPMed 0.00001; ESP Exome Variant Server 0.00008.

Submission:

Labcorp Genetics (formerly Invitae), Labcorp
Classification: Uncertain significance. Last evaluated: 2024-11-18. Review status: criteria provided, single submitter. Criteria: Invitae Variant Classification Sherloc (09022015). Collection method: clinical testing. Allele origin: germline.
Comment: This sequence change falls in intron 1 of the COA5 gene. It does not directly change the encoded amino acid sequence of the COA5 protein. It affects a nucleotide within the consensus splice site. This variant is present in population databases (rs373322813, gnomAD 0.007%). This variant has not been reported in the literature in individuals affected with COA5-related conditions. ClinVar contains an entry for this variant (Variation ID: 2022455). Variants that disrupt the consensus splice site are a relatively common cause of aberrant splicing (PMID: 17576681, 9536098). Algorithms developed to predict the effect of sequence changes on RNA splicing suggest that this variant is not likely to affect RNA splicing. In summary, the available evidence is currently insufficient to determine the role of this variant in disease. Therefore, it has been classified as a Variant of Uncertain Significance.

Literature cited by the submitters: PubMed 17576681; PubMed 9536098.